The following is an entry in ClinVar:

NM_212550.5(BLOC1S3):c.505G>T (p.Ala169Ser)

Gene: BLOC1S3 (biogenesis of lysosomal organelles complex 1 subunit 3; plus strand). Cytogenetic location: 19q13.32.
Variant type: single nucleotide variant.
Coding change: c.505G>T on transcript NM_212550.5 (MANE Select); coding-DNA position 505, G replaced by T.
Protein change: p.Ala169Ser; replaces alanine 169 with serine.
Molecular consequence: missense variant.
Genome position (GRCh38, 1-based): chr19:45,179,801, G>T. VCF-style: chr19-45179801-G-T. GRCh37 (hg19) VCF-style: chr19-45683059-G-T.
Other names: short protein forms A169S.
Identifiers: ClinVar variation 1033706 (VCV001033706.8), dbSNP rs200799185, ClinGen allele CA9510268.

ClinVar aggregate classification (germline): Uncertain significance. Review status: criteria provided, multiple submitters, no conflicts (2 of 4 stars). 4 submissions from 4 submitters: Uncertain significance (4). Last evaluated 2025-08-26.

Conditions:
Inborn genetic diseases. Identifiers: MedGen C0950123, MeSH D030342.
Hermansky-Pudlak syndrome 8 (HPS8). Identifiers: Orphanet 79430, MedGen C3888026, MONDO:0013560, OMIM 614077.

Allele frequency attached by ClinVar (database versions not stated): TOPMed 0.00014.
gnomAD v4.1: 196 of 1,600,578 alleles (0.012%); highest among the groups gnomAD compares: Non-Finnish European, 0.016%; no homozygotes.

Submissions (4):

Ambry Genetics
Classification: Uncertain significance for Inborn genetic diseases. Last evaluated: 2025-08-26. Review status: criteria provided, single submitter. Criteria: Ambry Variant Classification Scheme 2023. Collection method: clinical testing. Allele origin: germline.

Labcorp Genetics (formerly Invitae), Labcorp
Classification: Uncertain significance. Last evaluated: 2024-11-11. Review status: criteria provided, single submitter. Criteria: Invitae Variant Classification Sherloc (09022015). Collection method: clinical testing. Allele origin: germline.
Comment: This sequence change replaces alanine, which is neutral and non-polar, with serine, which is neutral and polar, at codon 169 of the BLOC1S3 protein (p.Ala169Ser). This variant is present in population databases (rs200799185, gnomAD 0.01%). This variant has not been reported in the literature in individuals affected with BLOC1S3-related conditions. ClinVar contains an entry for this variant (Variation ID: 1033706). An algorithm developed to predict the effect of missense changes on protein structure and function (PolyPhen-2) suggests that this variant¬†is likely to be tolerated. In summary, the available evidence is currently insufficient to determine the role of this variant in disease. Therefore, it has been classified as a Variant of Uncertain Significance.

Baylor Genetics
Classification: Uncertain significance for Hermansky-Pudlak syndrome 8. Last evaluated: 2018-01-31. Review status: criteria provided, single submitter. Criteria: ACMG Guidelines, 2015. Collection method: clinical testing. Allele origin: maternal. Affected: yes.
Comment: This variant was determined to be of uncertain significance according to ACMG Guidelines, 2015 [PMID:25741868].

Genetic Services Laboratory, University of Chicago
Classification: Uncertain significance. Last evaluated: 2017-10-25. Review status: criteria provided, single submitter. Criteria: ACMG Guidelines, 2015. Collection method: clinical testing. Allele origin: germline. Affected: no.